The following is an entry in ClinVar:

NM_001165963.4(SCN1A):c.1204T>C (p.Phe402Leu)

Gene: SCN1A (sodium voltage-gated channel alpha subunit 1; minus strand). Cytogenetic location: 2q24.3.
Variant type: single nucleotide variant.
Coding change: c.1204T>C on transcript NM_001165963.4 (MANE Select); coding-DNA position 1204, T replaced by C.
Protein change: p.Phe402Leu; replaces phenylalanine 402 with leucine.
Molecular consequence: missense variant. On other transcripts: 5 prime UTR variant (1), non-coding transcript variant (1).
Genome position (GRCh38, 1-based): chr2:166,046,943, A>G on the plus strand (T>C on the coding strand, the complement: SCN1A is on the minus strand). VCF-style: chr2-166046943-A-G. GRCh37 (hg19) VCF-style: chr2-166903453-A-G.
Other names: p.F402L:TTT>CTT; c.1204T>C, p.Phe402Leu (NM_001165964.3, NM_001202435.3, NM_001353948.2 and 10 more transcripts); c.-1222T>C (NM_001353961.2); c.1204T>C (NM_001165963.3); short protein forms F402L.
Identifiers: ClinVar variation 206935 (VCV000206935.5), dbSNP rs796053094, ClinGen allele CA317779.
Genomic context (GRCh38, chr2:166,046,943, plus strand): 5'-CCACAGCCAGGATCAAATTTATTAGGTAGAATGAGCCCAAGAAAATGACCAATACAAAAA[A>G]TATCATGTACGTTTTCCCAGCAGCACGTAATGTCTGCAAACAAAAATATCAGAATTATTT-3'
Protein context (NP_001159435.1, residues 392-412): LRAAGKTYMI[Phe402Leu]FVLVIFLGSF

ClinVar aggregate classification (germline): Conflicting classifications of pathogenicity. Review status: criteria provided, conflicting classifications (1 of 4 stars). 2 submissions from 2 submitters: Likely pathogenic (1); Uncertain significance (1). Last evaluated 2021-09-24.

Submissions (2):

Revvity Omics, Revvity
Classification: Uncertain significance. Last evaluated: 2021-09-24. Review status: criteria provided, single submitter. Criteria: ACMG Guidelines, 2015. Collection method: clinical testing. Allele origin: germline.

GeneDx
Classification: Likely pathogenic. Last evaluated: 2016-06-01. Review status: criteria provided, single submitter. Criteria: GeneDx Variant Classification (06012015). Collection method: clinical testing. Allele origin: germline. Affected: yes.
Comment: The F402L variant has not been published as a pathogenic variant, nor has it been reported as a benign variant to our knowledge. It was not observed in approximately 6,500 individuals of European and African American ancestry in the NHLBI Exome Sequencing Project, indicating it is not a common benign variant in these populations. This substitution alters a conserved position in transmembrane segment S6 in the first homologous domain of the SCN1A protein (Escayg et al., 2010), and multiple missense variants in nearby residues have been reported in association with SCN1A-related disorders (SCN1A Variant Database; Stenson et al., 2014), supporting the functional importance of this region of the protein. However, the F402L variant is a conservative amino acid substitution, which is not likely to impact secondary protein structure as these residues share similar properties. In silico analysis is inconsistent in its predictions as to whether or not the variant is damaging to the protein structure/function. Therefore, this variant is likely pathogenic; however, the possibility that it is benign cannot be excluded.